The following is an entry in ClinVar:

NM_000171.4(GLRA1):c.697+2T>A

Gene: GLRA1 (glycine receptor alpha 1; minus strand). Cytogenetic location: 5q33.1.
Variant type: single nucleotide variant.
Coding change: c.697+2T>A on transcript NM_000171.4 (MANE Select); the canonical splice donor site of the intron after coding-DNA position 697, T replaced by A.
Molecular consequence: splice donor variant.
Genome position (GRCh38, 1-based): chr5:151,855,038, A>T on the plus strand (T>A on the coding strand, the complement: GLRA1 is on the minus strand). VCF-style: chr5-151855038-A-T. GRCh37 (hg19) VCF-style: chr5-151234599-A-T.
Other names: c.448+2T>A (NM_001292000.2); c.697+2T>A (NM_001146040.2).
Identifiers: ClinVar variation 2873773 (VCV002873773.3), dbSNP rs1753002664, ClinGen allele CA361839476.

ClinVar aggregate classification (germline): Likely pathogenic (1 of 4 stars; one submission).

Conditions:
Hereditary hyperekplexia. Identifiers: Orphanet 3197, MedGen C4084968, MONDO:0021022.

Allele frequency attached by ClinVar (database versions not stated): TOPMed 0.00001.

Submission:

Labcorp Genetics (formerly Invitae), Labcorp
Classification: Likely pathogenic for Hereditary hyperekplexia. Last evaluated: 2023-08-27. Review status: criteria provided, single submitter. Criteria: Invitae Variant Classification Sherloc (09022015). Collection method: clinical testing. Allele origin: germline.
Comment: Algorithms developed to predict the effect of sequence changes on RNA splicing suggest that this variant may disrupt the consensus splice site. In summary, the currently available evidence indicates that the variant is pathogenic, but additional data are needed to prove that conclusively. Therefore, this variant has been classified as Likely Pathogenic. This sequence change affects a donor splice site in intron 6 of the GLRA1 gene. It is expected to disrupt RNA splicing. Variants that disrupt the donor or acceptor splice site typically lead to a loss of protein function (PMID: 16199547), and loss-of-function variants in GLRA1 are known to be pathogenic (PMID: 20631190, 24108130). This variant is not present in population databases (gnomAD no frequency). This variant has not been reported in the literature in individuals affected with GLRA1-related conditions.

Literature cited by the submitters: PubMed 16199547; PubMed 20631190; PubMed 24108130.